The following is an entry in ClinVar:

ClinVar aggregate classification (germline): Uncertain significance (1 of 4 stars; one submission).

Allele frequency attached by ClinVar (database versions not stated): gnomAD exomes below 0.00001.
gnomAD v4.1: 1 of 1,614,120 alleles (0.000062%); highest among the groups gnomAD compares: Admixed American, 0.0017%; no homozygotes.

Submission:

Ambry Genetics
Classification: Uncertain significance. Last evaluated: 2024-03-09. Review status: criteria provided, single submitter. Criteria: Ambry Variant Classification Scheme 2023. Collection method: clinical testing. Allele origin: germline.
Comment: The p.F787L variant (also known as c.2359T>C), located in coding exon 15 of the POLQ gene, results from a T to C substitution at nucleotide position 2359. The phenylalanine at codon 787 is replaced by leucine, an amino acid with highly similar properties. This amino acid position is conserved. In addition, the in silico prediction for this alteration is inconclusive. Since supporting evidence is limited at this time, the clinical significance of this alteration remains unclear.

NM_199420.4(POLQ):c.2359T>C (p.Phe787Leu)

Gene: POLQ (DNA polymerase theta; minus strand). Cytogenetic location: 3q13.33.
Variant type: single nucleotide variant.
Coding change: c.2359T>C on transcript NM_199420.4 (MANE Select); coding-DNA position 2359, T replaced by C.
Protein change: p.Phe787Leu; replaces phenylalanine 787 with leucine.
Molecular consequence: missense variant.
Genome position (GRCh38, 1-based): chr3:121,493,641, A>G on the plus strand (T>C on the coding strand, the complement: POLQ is on the minus strand). VCF-style: chr3-121493641-A-G. GRCh37 (hg19) VCF-style: chr3-121212488-A-G.
Other names: short protein forms F787L.
Identifiers: ClinVar variation 1790118 (VCV001790118.2), dbSNP rs2546790798, ClinGen allele CA354108084.